The following is an entry in ClinVar:

ClinVar aggregate classification (germline): Uncertain significance (1 of 4 stars; one submission).

Conditions:
Holoprosencephaly 2 (HPE2). Identifiers: Orphanet 2162, MedGen C1834877, MONDO:0007999, OMIM 157170.

Submission:

Labcorp Genetics (formerly Invitae), Labcorp
Classification: Uncertain significance for Holoprosencephaly 2. Last evaluated: 2024-10-16. Review status: criteria provided, single submitter. Criteria: Invitae Variant Classification Sherloc (09022015). Collection method: clinical testing. Allele origin: germline.
Comment: This variant, c.126_173del, results in the deletion of 16 amino acid(s) of the SIX3 protein (p.Gly43_Gly58del), but otherwise preserves the integrity of the reading frame. The frequency data for this variant in the population databases is considered unreliable, as metrics indicate poor data quality at this position in the gnomAD database. This variant has not been reported in the literature in individuals affected with SIX3-related conditions. ClinVar contains an entry for this variant (Variation ID: 1346455). Experimental studies and prediction algorithms are not available or were not evaluated, and the functional significance of this variant is currently unknown. In summary, the available evidence is currently insufficient to determine the role of this variant in disease. Therefore, it has been classified as a Variant of Uncertain Significance.

NM_005413.4(SIX3):c.126_173del (p.Gly43_Gly58del)

Gene: SIX3 (SIX homeobox 3; plus strand). Cytogenetic location: 2p21.
Variant type: Deletion.
Coding change: c.126_173del on transcript NM_005413.4 (MANE Select); coding-DNA positions 126 to 173, 48 bases deleted.
Protein change: p.Gly43_Gly58del.
Molecular consequence: inframe deletion.
Genome position (GRCh38, 1-based): chr2:44,942,230-44,942,277, 48 bases deleted; deleting any 48 consecutive bases within chr2:44,942,198-44,942,277 gives the same sequence; the c. name uses the placement nearest the transcript's 3' end. GRCh37 (hg19): chr2:45,169,369-45,169,416.
Identifiers: ClinVar variation 1346455 (VCV001346455.4), dbSNP rs747291764, ClinGen allele CA1642255.